The following is an entry in ClinVar:

NM_000089.4(COL1A2):c.81G>C (p.Glu27Asp)

Gene: COL1A2 (collagen type I alpha 2 chain; plus strand). Cytogenetic location: 7q21.3.
Variant type: single nucleotide variant.
Coding change: c.81G>C on transcript NM_000089.4 (MANE Select); coding-DNA position 81, G replaced by C.
Protein change: p.Glu27Asp; replaces glutamic acid 27 with aspartic acid.
Molecular consequence: missense variant.
Genome position (GRCh38, 1-based): chr7:94,397,758, G>C. VCF-style: chr7-94397758-G-C. GRCh37 (hg19) VCF-style: chr7-94027070-G-C.
Other names: short protein forms E27D.
Identifiers: ClinVar variation 1484907 (VCV001484907.8), dbSNP rs2115851777, ClinGen allele CA368218943.

ClinVar aggregate classification (germline): Uncertain significance (1 of 4 stars; one submission).

Conditions:
Ehlers-Danlos syndrome, classic type, 1 (EDSCL1). Also called: EHLERS-DANLOS SYNDROME, GRAVIS TYPE; EHLERS-DANLOS SYNDROME, SEVERE CLASSIC TYPE; Ehlers-Danlos syndrome, type 1; Ehlers-Danlos Syndrome, Classic Type, COL5A1-Related; EDS I. Identifiers: MedGen C0268335, MONDO:0019567, OMIM 130000.
Osteogenesis imperfecta type I (OI1). Also called: OI, TYPE I; OSTEOGENESIS IMPERFECTA TARDA; OSTEOGENESIS IMPERFECTA WITH BLUE SCLERAE; Osteogenesis imperfecta type 1; Lobstein's Disease; Lobstein disease. Identifiers: Orphanet 216796, Orphanet 666, MedGen C0023931, MONDO:0008146, OMIM 166200. Disease mechanism: loss of function.

Submission:

Labcorp Genetics (formerly Invitae), Labcorp
Classification: Uncertain significance for Osteogenesis imperfecta type I; Ehlers-Danlos syndrome, classic type, 1. Last evaluated: 2021-03-23. Review status: criteria provided, single submitter. Criteria: Invitae Variant Classification Sherloc (09022015). Collection method: clinical testing. Allele origin: germline.
Comment: In summary, the available evidence is currently insufficient to determine the role of this variant in disease. Therefore, it has been classified as a Variant of Uncertain Significance. Nucleotide substitutions within the consensus splice site are a relatively common cause of aberrant splicing (PMID: 17576681, 9536098). Algorithms developed to predict the effect of missense changes on protein structure and function are either unavailable or do not agree on the potential impact of this missense change (SIFT: "Tolerated"; PolyPhen-2: "Not Available"; Align-GVGD: "Class C0"). This variant has not been reported in the literature in individuals with COL1A2-related conditions. This variant is not present in population databases (ExAC no frequency). This sequence change replaces glutamic acid with aspartic acid at codon 27 of the COL1A2 protein (p.Glu27Asp). The glutamic acid residue is weakly conserved and there is a small physicochemical difference between glutamic acid and aspartic acid. This variant also falls at the last nucleotide of exon 2, which is part of the consensus splice site for this exon.

Literature cited by the submitters: PubMed 17576681; PubMed 9536098.